The following is an entry in ClinVar:

NM_012335.4(MYO1F):c.1504A>G (p.Ile502Val)

Gene: MYO1F (myosin IF; minus strand). Cytogenetic location: 19p13.2.
Variant type: single nucleotide variant.
Coding change: c.1504A>G on transcript NM_012335.4 (MANE Select); coding-DNA position 1504, A replaced by G.
Protein change: p.Ile502Val; replaces isoleucine 502 with valine.
Molecular consequence: missense variant.
Genome position (GRCh38, 1-based): chr19:8,544,317, T>C on the plus strand (A>G on the coding strand, the complement: MYO1F is on the minus strand). VCF-style: chr19-8544317-T-C. GRCh37 (hg19) VCF-style: chr19-8609201-T-C.
Other names: c.1492A>G, p.Ile498Val (NM_001348355.2); short protein forms I498V, I502V.
Identifiers: ClinVar variation 676337 (VCV000676337.1), dbSNP rs200797032, ClinGen allele CA9159262.
Genomic context (GRCh38, chr19:8,544,317, plus strand): 5'-TGCGAGGAGGCACAGGGTAGGGTAGGGGCAGGGGGCGCACCTTGCCAGCGTAGTGGTGGA[T>C]GACGAAGCCGGCGCTCCAGCTGTTGAAATGCTCGTGGGTCCCCACAGCCGCCTGCAGCTT-3'
Protein context (NP_036467.2, residues 492-512): HFNSWSAGFV[Ile502Val]HHYAGKVSYD

ClinVar aggregate classification (germline): Benign (1 of 4 stars; one submission).

Allele frequency attached by ClinVar (database versions not stated): gnomAD 0.00016 and 0.00023; gnomAD exomes 0.00027 and 0.00047; TOPMed 0.00034; ExAC 0.00050; 1000 Genomes Project 30x 0.00078; 1000 Genomes Project 0.00080.
gnomAD v4.1: 427 of 1,612,912 alleles (0.026%); highest among the groups gnomAD compares: East Asian, 0.85%; no homozygotes.

Submission:

GeneDx
Classification: Benign. Last evaluated: 2018-04-13. Review status: criteria provided, single submitter. Criteria: GeneDx Variant Classification (06012015). Collection method: clinical testing. Allele origin: germline. Affected: yes.
Comment: This variant is considered likely benign or benign based on one or more of the following criteria: it is a conservative change, it occurs at a poorly conserved position in the protein, it is predicted to be benign by multiple in silico algorithms, and/or has population frequency not consistent with disease.